The following is an entry in ClinVar:

ClinVar aggregate classification (germline): Conflicting classifications of pathogenicity. Review status: criteria provided, conflicting classifications (1 of 4 stars). 7 submissions from 7 submitters: Pathogenic (2); Likely pathogenic (3); Uncertain significance (1). 1 of the submissions does not count toward it. Last evaluated 2025-11-04.

Conditions:
Deficiency of 2-methylbutyryl-CoA dehydrogenase (ACADSB). Also called: 2-methylbutyrylglycinuria; 2-methylbutyryl-CoA dehydrogenase deficiency; SBCAD deficiency; 2-methylbutyric aciduria; Short branched-chain acyl-CoA dehydrogenase deficiency. Identifiers: Orphanet 79157, MedGen C1864912, MONDO:0012392, OMIM 610006, HP:0020147.

Allele frequency attached by ClinVar (database versions not stated): gnomAD 0.00001 and 0.00003; TOPMed 0.00003; gnomAD exomes 0.00006; ExAC 0.00008; 1000 Genomes Project 0.00020; 1000 Genomes Project 30x 0.00031.
gnomAD v4.1: 41 of 1,614,184 alleles (0.0025%); highest among the groups gnomAD compares: East Asian, 0.067%; no homozygotes.

Submissions (7):

Women's Health and Genetics/Laboratory Corporation of America, LabCorp
Classification: Pathogenic for Deficiency of 2-methylbutyryl-CoA dehydrogenase. Last evaluated: 2025-11-04. Review status: criteria provided, single submitter. Criteria: LabCorp Variant Classification Summary - May 2015. Collection method: clinical testing. Allele origin: germline.
Comment: Variant summary: ACADSB c.655G>A (p.Val219Met) results in a conservative amino acid change in the encoded protein sequence. Algorithms developed to predict the effect of missense changes on protein structure and function are either unavailable or do not agree on the potential impact of this missense change. The variant allele was found at a frequency of 5.6e-05 in 251466 control chromosomes. This frequency is not significantly higher than estimated for disease-causing variants in ACADSB, allowing no conclusion about variant significance. c.655G>A has been observed in multiple individuals affected with Deficiency of 2-methylbutyryl-CoA dehydrogenase (e.g. Lin_2019, Hao_2024, internal data). These data indicate that the variant is very likely to be associated with disease. To our knowledge, no experimental evidence demonstrating an impact on protein function has been reported. The following publications have been ascertained in the context of this evaluation (PMID: 38061323, 31555323). ClinVar contains an entry for this variant (Variation ID: 577108). Based on the evidence outlined above, the variant was classified as pathogenic.

Labcorp Genetics (formerly Invitae), Labcorp
Classification: Pathogenic for Deficiency of 2-methylbutyryl-CoA dehydrogenase. Last evaluated: 2025-03-10. Review status: criteria provided, single submitter. Criteria: Invitae Variant Classification Sherloc (09022015). Collection method: clinical testing. Allele origin: germline.
Comment: This sequence change replaces valine, which is neutral and non-polar, with methionine, which is neutral and non-polar, at codon 219 of the ACADSB protein (p.Val219Met). This variant is present in population databases (rs553730391, gnomAD 0.07%). This missense change has been observed in individual(s) with short/branched chain acyl-CoA dehydrogenase deficiency (PMID: 31555323; internal data). In at least one individual the data is consistent with being in trans (on the opposite chromosome) from a pathogenic variant. ClinVar contains an entry for this variant (Variation ID: 577108). Invitae Evidence Modeling of protein sequence and biophysical properties (such as structural, functional, and spatial information, amino acid conservation, physicochemical variation, residue mobility, and thermodynamic stability) indicates that this missense variant is expected to disrupt ACADSB protein function with a positive predictive value of 95%. For these reasons, this variant has been classified as Pathogenic.

Fulgent Genetics
Classification: Likely pathogenic for Deficiency of 2-methylbutyryl-CoA dehydrogenase. Last evaluated: 2024-06-01. Review status: criteria provided, single submitter. Criteria: ACMG Guidelines, 2015. Collection method: clinical testing. Allele origin: germline.

Blueprint Genetics
Classification: Uncertain significance. Last evaluated: 2023-06-19. Review status: criteria provided, single submitter. Criteria: ACMG Guidelines, 2015. Collection method: clinical testing. Allele origin: germline.

Juno Genomics, Hangzhou Juno Genomics, Inc
Classification: Likely pathogenic for Deficiency of 2-methylbutyryl-CoA dehydrogenase. Review status: criteria provided, single submitter. Criteria: ACMG Guidelines, 2015. Collection method: clinical testing. Allele origin: germline. Affected: yes.
Comment: Multiple lines of computational evidence support a deleterious effect on the gene or gene product.;For recessive disorders, detected in trans with a pathogenic variant.;Patient's phenotype or family history is highly specific for a disease with a single genetic etiology.

Kariminejad - Najmabadi Pathology & Genetics Center
Classification: Likely pathogenic for Deficiency of 2-methylbutyryl-CoA dehydrogenase. Review status: criteria provided, single submitter. Criteria: ACMG Guidelines, 2015. Collection method: clinical testing. Allele origin: germline. Affected: no.

Neonatal Disease Screening Center, Medical Genetics Center, Huaihua City Maternal and Child Health Care Hospital
Classification: Pathogenic for Deficiency of 2-methylbutyryl-CoA dehydrogenase. Review status: no assertion criteria provided. Criteria: ACMG Guidelines, 2015. Collection method: clinical testing. Allele origin: germline. Affected: yes. Observed: 4 variant alleles. Not counted in ClinVar's aggregate classification.
Comment: PM3_VS+PP1+PP3

Literature cited by the submitters: PubMed 38061323 (cited by Women's Health and Genetics/Laboratory Corporation of America, LabCorp); PubMed 31555323 (cited by Women's Health and Genetics/Laboratory Corporation of America, LabCorp and Labcorp Genetics (formerly Invitae), Labcorp).

NM_001609.4(ACADSB):c.655G>A (p.Val219Met)

Gene: ACADSB (acyl-CoA dehydrogenase short/branched chain; plus strand). Cytogenetic location: 10q26.13.
Variant type: single nucleotide variant.
Coding change: c.655G>A on transcript NM_001609.4 (MANE Select); coding-DNA position 655, G replaced by A.
Protein change: p.Val219Met; replaces valine 219 with methionine.
Molecular consequence: missense variant.
Genome position (GRCh38, 1-based): chr10:123,041,353, G>A. VCF-style: chr10-123041353-G-A. GRCh37 (hg19) VCF-style: chr10-124800869-G-A.
Other names: c.349G>A, p.Val117Met (NM_001330174.3); short protein forms V219M, V117M.
Identifiers: ClinVar variation 577108 (VCV000577108.18), dbSNP rs553730391, ClinGen allele CA5730763.